The following is an entry in ClinVar:

NM_001379286.1(ZNF423):c.2411T>C (p.Leu804Pro)

Gene: ZNF423 (zinc finger protein 423; minus strand). Cytogenetic location: 16q12.1.
Variant type: single nucleotide variant.
Coding change: c.2411T>C on transcript NM_001379286.1 (MANE Select); coding-DNA position 2411, T replaced by C.
Protein change: p.Leu804Pro; replaces leucine 804 with proline.
Molecular consequence: missense variant.
Genome position (GRCh38, 1-based): chr16:49,636,765, A>G on the plus strand (T>C on the coding strand, the complement: ZNF423 is on the minus strand). VCF-style: chr16-49636765-A-G. GRCh37 (hg19) VCF-style: chr16-49670676-A-G.
Other names: c.2207T>C, p.Leu736Pro (NM_001271620.2); c.2036T>C, p.Leu679Pro (NM_001330533.2); c.2387T>C, p.Leu796Pro (NM_015069.5); short protein forms L804P, L679P, L736P, L796P.
Identifiers: ClinVar variation 4979435 (VCV004979435.1).
Genomic context (GRCh38, chr16:49,636,765, plus strand): 5'-AAGGCCTTGCTGCAGAACTTACAGTTATACTTCTTGCTGTGTGTGGTGATGTGGCACTGC[A>G]GCTCCACCTCGGTGCTGAAGGTCTCCCCACAGAAGATGCACTTGTGAGCCTTGGCCGGGT-3'
Protein context (NP_001366215.1, residues 794-814): CGETFSTEVE[Leu804Pro]QCHITTHSKK

ClinVar aggregate classification (germline): Uncertain significance (1 of 4 stars; one submission).

Conditions:
ZNF423-related disorder. Also called: ZNF423-related condition.

gnomAD v4.1: 1 of 1,613,890 alleles (0.000062%); highest among the groups gnomAD compares: Non-Finnish European, 0.000085%; no homozygotes.

Submission:

PreventionGenetics, part of Exact Sciences
Classification: Uncertain significance for ZNF423-related condition. Last evaluated: 2026-06-16. Review status: criteria provided, single submitter. Criteria: ACMG Guidelines, 2015. Collection method: clinical testing. Allele origin: germline.
Comment: The ZNF423 c.2387T>C variant is predicted to result in the amino acid substitution p.Leu796Pro. To our knowledge, this variant has not been reported in the literature or in a large population database (gnomAD), indicating this variant is rare. At this time, the clinical significance of this variant is uncertain due to the absence of conclusive functional and genetic evidence.